The following is an entry in ClinVar:

ClinVar aggregate classification (germline): Uncertain significance (1 of 4 stars; one submission).

gnomAD v4.1: 4 of 1,614,154 alleles (0.00025%); highest among the groups gnomAD compares: South Asian, 0.0011%; no homozygotes.

Submission:

Labcorp Genetics (formerly Invitae), Labcorp
Classification: Uncertain significance. Last evaluated: 2025-12-08. Review status: criteria provided, single submitter. Criteria: Invitae Variant Classification Sherloc (09022015). Collection method: clinical testing. Allele origin: germline.
Comment: This sequence change affects codon 324 of the MC4R mRNA. It is a 'silent' change, meaning that it does not change the encoded amino acid sequence of the MC4R protein. This variant is present in population databases (no rsID available, gnomAD 0.003%). This variant has not been reported in the literature in individuals affected with MC4R-related conditions. In summary, the available evidence is currently insufficient to determine the role of this variant in disease. Therefore, it has been classified as a Variant of Uncertain Significance.

NM_005912.3(MC4R):c.972C>A (p.Gly324=)

Gene: MC4R (melanocortin 4 receptor; minus strand). Cytogenetic location: 18q21.32.
Variant type: single nucleotide variant.
Coding change: c.972C>A on transcript NM_005912.3 (MANE Select); coding-DNA position 972, C replaced by A.
Protein change: p.Gly324=; no amino-acid change (glycine 324 retained).
Molecular consequence: synonymous variant.
Genome position (GRCh38, 1-based): chr18:60,371,378, G>T on the plus strand (C>A on the coding strand, the complement: MC4R is on the minus strand). VCF-style: chr18-60371378-G-T. GRCh37 (hg19) VCF-style: chr18-58038611-G-T.
Identifiers: ClinVar variation 4762830 (VCV004762830.1).
Genomic context (GRCh38, chr18:60,371,378, plus strand): 5'-TGCATGTTCCTATATTGCGTGCTCTGTCCCCATTTAATATCTGCTAGACAAGTCACAAAG[G>T]CCTCCCAGGGGATAGCAACAGATGATCTCTTTGAAGGTTTTCCTCAGTTCTTGACTCCGG-3'
Protein context (NP_005903.2, residues 314-332): KEIICCYPLG[Gly324=]LCDLSSRY